The following is an entry in ClinVar:

ClinVar aggregate classification (germline): Uncertain significance (1 of 4 stars; one submission).

Conditions:
Cataract 5 multiple types (CTRCT5). Also called: Lamellar cataract; CATARACT, MARNER TYPE; CATARACT 5, LAMELLAR. Identifiers: Orphanet 91492, MedGen C0266537, MONDO:0007290, OMIM 116800, HP:0007971.

Submission:

Labcorp Genetics (formerly Invitae), Labcorp
Classification: Uncertain significance for Cataract 5 multiple types. Last evaluated: 2022-05-21. Review status: criteria provided, single submitter. Criteria: Invitae Variant Classification Sherloc (09022015). Collection method: clinical testing. Allele origin: germline.
Comment: This variant has not been reported in the literature in individuals affected with HSF4-related conditions. This variant is not present in population databases (gnomAD no frequency). This sequence change affects codon 120 of the HSF4 mRNA. It is a 'silent' change, meaning that it does not change the encoded amino acid sequence of the HSF4 protein. This variant also falls at the last nucleotide of exon 5, which is part of the consensus splice site for this exon. Variants that disrupt the consensus splice site are a relatively common cause of aberrant splicing (PMID: 17576681, 9536098). Algorithms developed to predict the effect of sequence changes on RNA splicing suggest that this variant may disrupt the consensus splice site. In summary, the available evidence is currently insufficient to determine the role of this variant in disease. Therefore, it has been classified as a Variant of Uncertain Significance.

Literature cited by the submitters: PubMed 17576681; PubMed 9536098.

NM_001374675.1(HSF4):c.360G>A (p.Lys120=)

Gene: HSF4 (heat shock transcription factor 4; plus strand). Cytogenetic location: 16q22.1.
Variant type: single nucleotide variant.
Coding change: c.360G>A on transcript NM_001374675.1 (MANE Select); coding-DNA position 360, G replaced by A.
Protein change: p.Lys120=; no amino-acid change (lysine 120 retained).
Molecular consequence: synonymous variant.
Genome position (GRCh38, 1-based): chr16:67,165,846, G>A. VCF-style: chr16-67165846-G-A. GRCh37 (hg19) VCF-style: chr16-67199749-G-A.
Other names: c.360G>A, p.Lys120= (NM_001040667.3, NM_001374674.1, NM_001538.4).
Identifiers: ClinVar variation 1997623 (VCV001997623.4), dbSNP rs1567668580, ClinGen allele CA496072232.
Genomic context (GRCh38, chr16:67,165,846, plus strand): 5'-GTTCCAGCACCCGAGCTTCGTGCGCGGCCGCGAGCAGCTACTGGAGCGCGTGCGGCGCAA[G>A]GTGGGGGCGGCCTGCGGGAATGAGCAAAGAGGAGGAGGGGTGCTGGGACTGCCTGCCTTG-3'
Protein context (NP_001361604.1, residues 110-130): REQLLERVRR[Lys120=]VPALRGDDGR